The following is an entry in ClinVar:

NM_001330288.2(SMARCC2):c.1461C>A (p.Arg487=)

Gene: SMARCC2 (SWI/SNF related BAF chromatin remodeling complex subunit C2; minus strand). Cytogenetic location: 12q13.2.
Variant type: single nucleotide variant.
Coding change: c.1461C>A on transcript NM_001330288.2 (MANE Select); coding-DNA position 1461, C replaced by A.
Protein change: p.Arg487=; no amino-acid change (arginine 487 retained).
Molecular consequence: synonymous variant.
Genome position (GRCh38, 1-based): chr12:56,174,686, G>T on the plus strand (C>A on the coding strand, the complement: SMARCC2 is on the minus strand). VCF-style: chr12-56174686-G-T. GRCh37 (hg19) VCF-style: chr12-56568470-G-T.
Other names: c.1461C>A, p.Arg487= (NM_001130420.3, NM_003075.5, NM_139067.4).
Identifiers: ClinVar variation 4849177 (VCV004849177.1).

ClinVar aggregate classification (germline): Benign (1 of 4 stars; one submission).

gnomAD v4.1: 292 of 1,613,994 alleles (0.018%); highest among the groups gnomAD compares: Non-Finnish European, 0.00076%; 1 homozygote.

Submission:

Women's Health and Genetics/Laboratory Corporation of America, LabCorp
Classification: Benign. Last evaluated: 2026-04-22. Review status: criteria provided, single submitter. Criteria: LabCorp Variant Classification Summary - May 2015. Collection method: clinical testing. Allele origin: germline.
Comment: Variant summary: SMARCC2 c.1461C>A alters a non-conserved nucleotide resulting in a synonymous change. Consensus agreement among computation tools predict no significant impact on normal splicing. However, these predictions have yet to be confirmed by functional studies. The variant allele was found at a frequency of 0.00018 in 1613994 control chromosomes, predominantly at a frequency of 0.0043 within the Non-Finnish European subpopulation in the gnomAD database, including 1 homozygote. The observed variant frequency within Non-Finnish European control individuals in the gnomAD database exceeds the estimated maximal expected allele frequency for disease-causing variants in SMARCC2. Additionally, the observation of homozygous control(s) in gnomAD is not consistent with the early onset/severe presentation of SMARCC2-related conditions. To our knowledge, no occurrence of c.1461C>A in individuals affected with SMARCC2-related conditions and no experimental evidence demonstrating its impact on protein function have been reported. No submitters have cited clinical-significance assessments for this variant to ClinVar. Based on the evidence outlined above, the variant was classified as benign.